The following is an entry in ClinVar:

NM_006623.4(PHGDH):c.906_907insACTGTCTCTTA (p.Phe303fs)

Gene: PHGDH (phosphoglycerate dehydrogenase; plus strand). Cytogenetic location: 1p12.
Variant type: Insertion.
Coding change: c.906_907insACTGTCTCTTA on transcript NM_006623.4 (MANE Select); coding-DNA positions 906 to 907, ACTGTCTCTTA inserted.
Protein change: p.Phe303fs; shifts the reading frame from phenylalanine 303.
Molecular consequence: frameshift variant.
Genome position: GRCh38 VCF-style: chr1-119737227-G-GACTGTCTCTTA. GRCh37 (hg19) VCF-style: chr1-120279850-G-GACTGTCTCTTA.
Other names: short protein forms F303fs.
Identifiers: ClinVar variation 5011109 (VCV005011109.1).

ClinVar aggregate classification (germline): Pathogenic (1 of 4 stars; one submission).

Conditions:
Neurometabolic disorder due to serine deficiency. Identifiers: Orphanet 35705, MedGen C5680148, MONDO:0018162.

Submission:

Myriad Genetics, Inc.
Classification: Pathogenic for Neurometabolic disorder due to serine deficiency. Last evaluated: 2024-05-14. Review status: criteria provided, single submitter. Criteria: Myriad Autosomal Dominant, Autosomal Recessive and X-Linked Classification Criteria (2023). Collection method: clinical testing. Allele origin: unknown.
Comment: NM_006623.3(PHGDH):c.906_907ins11(F303Tfs*9) is expected to be pathogenic in the context of serine deficiency disorder, PHGDH-related. This variant is predicted to lead to an abnormal or absent protein product due to the creation of a premature termination codon in PHGDH, a gene where loss-of-function variants are known to be pathogenic. Please note: this variant was assessed in the context of healthy population screening.